The following is an entry in ClinVar:

ClinVar aggregate classification (germline): Pathogenic (1 of 4 stars; one submission).

Conditions:
Hereditary cancer-predisposing syndrome. Also called: Neoplastic Syndromes, Hereditary; Tumor predisposition; Hereditary Cancer Syndrome; Hereditary neoplastic syndrome. Identifiers: Orphanet 140162, MedGen C0027672, MeSH D009386, MONDO:0015356.

Submission:

Ambry Genetics
Classification: Pathogenic for Hereditary cancer-predisposing syndrome. Last evaluated: 2024-05-24. Review status: criteria provided, single submitter. Criteria: Ambry Variant Classification Scheme 2023. Collection method: clinical testing. Allele origin: germline.
Comment: The c.6621dupA pathogenic mutation, located in coding exon 45 of the ATM gene, results from a duplication of A at nucleotide position 6621, causing a translational frameshift with a predicted alternate stop codon (p.H2208Tfs*9). This variant is considered to be rare based on population cohorts in the Genome Aggregation Database (gnomAD). This alteration is expected to result in loss of function by premature protein truncation or nonsense-mediated mRNA decay. As such, this alteration is interpreted as a disease-causing mutation.

NM_000051.4(ATM):c.6621dup (p.His2208fs)

Genes: ATM (ATM serine/threonine kinase; plus strand), C11orf65 (chromosome 11 open reading frame 65; minus strand). Cytogenetic location: 11q22.3.
Variant type: Duplication.
Coding change: c.6621dup on transcript NM_000051.4 (MANE Select); coding-DNA position 6621, one base duplicated (A; older notation c.6621dupA).
Protein change: p.His2208fs; shifts the reading frame from histidine 2208.
Molecular consequence: frameshift variant. On other transcripts: intron variant (2).
Genome position (GRCh38, 1-based): chr11:108,325,358, A duplicated; the last of 3 consecutive A bases (chr11:108,325,356-108,325,358); duplicating any one gives the same sequence. VCF-style (leftmost placement, unchanged base first): chr11-108325355-G-GA. GRCh37 (hg19) VCF-style: chr11-108196082-G-GA.
Other names: c.6621dup, p.His2208fs (NM_001351834.2); c.641-16285dup (NM_001330368.2); c.*38+9864dup (NM_001351110.2); c.6621dupA (NM_000051.3); short protein forms H2208fs.
Identifiers: ClinVar variation 3325939 (VCV003325939.1).
Genomic context (GRCh38, chr11:108,325,355, plus strand): 5'-TGTCGTGGCATTCAGATCAGTCACACATAGACAACTCTCTGAAGTATATATTAAGTGGCA[G>GA]AAACACTCCCAGCTTCTCAAGGACAGTGATTTTAGTTTTCAGGAGCCTATCATGGCTCTA-3'